The following is an entry in ClinVar:

NM_176824.3(BBS7):c.601+3A>G

Gene: BBS7 (Bardet-Biedl syndrome 7; minus strand). Cytogenetic location: 4q27.
Variant type: single nucleotide variant.
Coding change: c.601+3A>G on transcript NM_176824.3 (MANE Select); 3 bases into the intron after coding-DNA position 601, A replaced by G.
Molecular consequence: intron variant.
Genome position (GRCh38, 1-based): chr4:121,855,486, T>C on the plus strand (A>G on the coding strand, the complement: BBS7 is on the minus strand). VCF-style: chr4-121855486-T-C. GRCh37 (hg19) VCF-style: chr4-122776641-T-C.
Other names: c.601+3A>G (NM_018190.4).
Identifiers: ClinVar variation 838417 (VCV000838417.10), dbSNP rs747555346, ClinGen allele CA3064467.

ClinVar aggregate classification (germline): Conflicting classifications of pathogenicity. Review status: criteria provided, conflicting classifications (1 of 4 stars). 4 submissions from 4 submitters: Pathogenic (1); Likely pathogenic (1); Uncertain significance (1). 1 of the submissions does not count toward it. Last evaluated 2023-11-11.

Conditions:
Bardet-Biedl syndrome 7 (BBS7). Identifiers: Orphanet 110, MedGen C1859565, MONDO:0014435, OMIM 615984.
BBS7-related disorder. Also called: BBS7-related condition.
Bardet-Biedl syndrome (BBS). Identifiers: Orphanet 110, MedGen C0752166, MONDO:0015229.

Allele frequency attached by ClinVar (database versions not stated): ExAC 0.00001; TOPMed 0.00001; gnomAD exomes 0.00002 and 0.00004.
gnomAD v4.1: 11 of 1,612,520 alleles (0.00068%); highest among the groups gnomAD compares: Admixed American, 0.017%; no homozygotes.

Submissions (4):

Labcorp Genetics (formerly Invitae), Labcorp
Classification: Pathogenic for Bardet-Biedl syndrome. Last evaluated: 2023-11-11. Review status: criteria provided, single submitter. Criteria: Invitae Variant Classification Sherloc (09022015). Collection method: clinical testing. Allele origin: germline.
Comment: This sequence change falls in intron 6 of the BBS7 gene. It does not directly change the encoded amino acid sequence of the BBS7 protein. It affects a nucleotide within the consensus splice site. This variant is present in population databases (rs747555346, gnomAD 0.02%). This variant has been observed in individual(s) with Bardet-Biedl syndrome (Invitae). ClinVar contains an entry for this variant (Variation ID: 838417). Variants that disrupt the consensus splice site are a relatively common cause of aberrant splicing (PMID: 17576681, 9536098). Algorithms developed to predict the effect of sequence changes on RNA splicing suggest that this variant may disrupt the consensus splice site. For these reasons, this variant has been classified as Pathogenic.

Blueprint Genetics
Classification: Likely pathogenic for BBS7-related disorders. Last evaluated: 2022-04-27. Review status: criteria provided, single submitter. Criteria: ACMG Guidelines, 2015. Collection method: clinical testing. Allele origin: germline. Affected: yes. Observed: 1 variant allele.

Fulgent Genetics
Classification: Uncertain significance for Bardet-Biedl syndrome 7. Last evaluated: 2021-12-27. Review status: criteria provided, single submitter. Criteria: ACMG Guidelines, 2015. Collection method: clinical testing. Allele origin: unknown.

PreventionGenetics, part of Exact Sciences
Classification: Uncertain significance for BBS7-related condition. Last evaluated: 2024-04-19. Review status: no assertion criteria provided. Collection method: clinical testing. Allele origin: germline. Not counted in ClinVar's aggregate classification.
Comment: The BBS7 c.601+3A>G variant is predicted to interfere with splicing. This variant is predicted to interfere with splicing at a consensus splice site based on splicing prediction programs (Splice Ai, Jaganathan et al. 2019. PubMed ID: 30661751). However, the use of computer prediction software is not equivalent to functional evidence. To our knowledge, this variant has not been reported in the literature. This variant is reported in 0.023% of alleles in individuals of Latino descent in gnomAD. Although we suspect that this variant may be pathogenic, at this time, the clinical significance of this variant is uncertain due to the absence of conclusive functional and genetic evidence.

Literature cited by the submitters: PubMed 17576681 (cited by Labcorp Genetics (formerly Invitae), Labcorp); PubMed 9536098 (cited by Labcorp Genetics (formerly Invitae), Labcorp).